The following is an entry in ClinVar:

NM_130839.5(UBE3A):c.1480A>G (p.Asn494Asp)

Genes: SNHG14 (small nucleolar RNA host gene 14; plus strand), UBE3A (ubiquitin protein ligase E3A; minus strand). Cytogenetic location: 15q11.2.
Variant type: single nucleotide variant.
Coding change: c.1480A>G on transcript NM_130839.5 (MANE Select); coding-DNA position 1480, A replaced by G.
Protein change: p.Asn494Asp; replaces asparagine 494 with aspartic acid.
Molecular consequence: missense variant. On other transcripts: non-coding transcript variant (1), intron variant (2).
Genome position (GRCh38, 1-based): chr15:25,370,694, T>C on the plus strand (A>G on the coding strand, the complement: UBE3A is on the minus strand). VCF-style: chr15-25370694-T-C. GRCh37 (hg19) VCF-style: chr15-25615841-T-C.
Other names: c.1489A>G, p.Asn497Asp (NM_000462.5); c.1480A>G, p.Asn494Asp (NM_001354505.1, NM_001354538.2, NM_001354545.2); c.1420A>G, p.Asn474Asp (NM_001354506.2, NM_001354507.2, NM_001354508.2 and 17 more transcripts); c.1303A>G, p.Asn435Asp (NM_001354546.2); c.301+4771A>G (NM_001354551.2); c.361+4771A>G (NM_001354550.2); short protein forms N474D, N494D, N497D, N435D.
Identifiers: ClinVar variation 372595 (VCV000372595.1), dbSNP rs1057517876, ClinGen allele CA16042939.
Genomic context (GRCh38, chr15:25,370,694, plus strand): 5'-GTCCTTGAACTAAGCTGTAGAGAACAGTGATTCTTCGTTCACTGTACATGCGAATTCTAT[T>C]GTCATAATATAATCCCAAATTCTTTGTGACAGCATTCAATATAAAGGGACATGTCATAAA-3'
Protein context (NP_570854.1, residues 484-504): VTKNLGLYYD[Asn494Asp]RIRMYSERRI

ClinVar aggregate classification (germline): Likely pathogenic (1 of 4 stars; one submission).

Submission:

GeneDx
Classification: Likely pathogenic. Last evaluated: 2015-03-09. Review status: criteria provided, single submitter. Criteria: GeneDx Variant Classification (06012015). Collection method: clinical testing. Allele origin: germline. Affected: yes.
Comment: The N494D variant in the UBE3A gene has not been published as a pathogenic variant, nor has it been reported as abenign polymorphism to our knowledge. The N494D variant was not observed in approximately 6500individuals of European and African American ancestry in the NHLBI Exome Sequencing Project,indicating it is not a common benign variant in these populations. The N494D variant is a semi-conservative amino acid substitution, which may impact secondary protein structure as these residues differ in someproperties. This substitution occurs at a position that is conserved across species. In silico analysis isinconsistent in its predictions as to whether or not the variant is damaging to the protein structure/function.The N494D variant is a good candidate for a pathogenic variant, however the possibility that this is a rare benign variant cannot be excluded.